The following is an entry in ClinVar:

ClinVar aggregate classification (germline): Uncertain significance (1 of 4 stars; one submission).

Conditions:
Cardiomyopathy (CMYO). Also called: Cardiomyopathies. Identifiers: Orphanet 167848, MedGen C0878544, MONDO:0004994, HP:0001638. Inheritance: Various modes of inheritance.

Allele frequency attached by ClinVar (database versions not stated): TOPMed below 0.00001.

Submission:

Color Diagnostics, LLC DBA Color Health
Classification: Uncertain significance for Cardiomyopathy. Last evaluated: 2023-12-04. Review status: criteria provided, single submitter. Criteria: ACMG Guidelines, 2015. Collection method: clinical testing. Allele origin: germline.
Comment: Variant of Uncertain Significance due to insufficient evidence: This missense variant replaces serine with phenylalanine at codon 209 of the TMEM43 protein. Computational prediction tools and conservation analyses are inconclusive regarding the impact of this variant on the protein function. Computational splicing tools suggest that this variant may not impact RNA splicing. To our knowledge, functional assays have not been performed for this variant nor has this variant been reported in individuals affected with cardiovascular disorders in the literature. This variant is rare in the general population and has been identified in 0/277264 chromosomes by the Genome Aggregation Database (gnomAD). Available evidence is insufficient to determine the role of this variant in disease conclusively.

NM_024334.3(TMEM43):c.626C>T (p.Ser209Phe)

Gene: TMEM43 (transmembrane protein 43; plus strand). Cytogenetic location: 3p25.1.
Variant type: single nucleotide variant.
Coding change: c.626C>T on transcript NM_024334.3 (MANE Select); coding-DNA position 626, C replaced by T.
Protein change: p.Ser209Phe; replaces serine 209 with phenylalanine.
Molecular consequence: missense variant.
Genome position (GRCh38, 1-based): chr3:14,134,812, C>T. VCF-style: chr3-14134812-C-T. GRCh37 (hg19) VCF-style: chr3-14176312-C-T.
Other names: short protein forms S209F.
Identifiers: ClinVar variation 924170 (VCV000924170.5), dbSNP rs1553603146, ClinGen allele CA351535517.